The following is an entry in ClinVar:

NM_001277115.2(DNAH11):c.13515_13526dup (p.Val4510_Ala4511insLeuAlaGlyVal)

Genes: CDCA7L (cell division cycle associated 7 like; minus strand), DNAH11 (dynein axonemal heavy chain 11; plus strand). Cytogenetic location: 7p15.3.
Variant type: Duplication.
Coding change: c.13515_13526dup on transcript NM_001277115.2 (MANE Select); coding-DNA positions 13515 to 13526, 12 bases duplicated (GGTTCTGGCTGG).
Protein change: p.Val4510_Ala4511insLeuAlaGlyVal.
Molecular consequence: inframe insertion. On other transcripts: 3 prime UTR variant (3).
Genome position (GRCh38, 1-based): chr7:21,901,218-21,901,229, GGTTCTGGCTGG duplicated; duplicating any 12 consecutive bases within chr7:21,901,217-21,901,229 gives the same sequence; the c. name uses the placement nearest the transcript's 3' end. VCF-style (leftmost placement, unchanged base first): chr7-21901216-T-TGGGTTCTGGCTG. GRCh37 (hg19) VCF-style: chr7-21940834-T-TGGGTTCTGGCTG.
Other names: NM_001277115.2(DNAH11):c.13515_13526dup; p.Leu4507_Val4510dup; c.*1094_*1105dup (NM_001127370.3, NM_001127371.3, NM_018719.5); c.13515_13526dupGGTTCTGGCTGG (NM_001277115.1).
Identifiers: ClinVar variation 525412 (VCV000525412.11), dbSNP rs1254126467, ClinGen allele CA658796914.

ClinVar aggregate classification (germline): Conflicting classifications of pathogenicity. Review status: criteria provided, conflicting classifications (1 of 4 stars). 3 submissions from 3 submitters: Likely pathogenic (1); Uncertain significance (2). Last evaluated 2025-02-20.

Conditions:
Primary ciliary dyskinesia. Also called: Ciliary dyskinesia. Identifiers: Orphanet 244, MedGen C0008780, MONDO:0016575, HP:0012265.
Primary ciliary dyskinesia 7. Also called: CILIARY DYSKINESIA, PRIMARY, 7, WITH OR WITHOUT SITUS INVERSUS. Identifiers: Orphanet 244, MedGen C2678473, MONDO:0012748, OMIM 611884.

Submissions (3):

Broad Center for Mendelian Genomics, Broad Institute of MIT and Harvard
Classification: Uncertain significance for Primary ciliary dyskinesia 7. Last evaluated: 2025-02-20. Review status: criteria provided, single submitter. Criteria: ACMG Guidelines, 2015. Collection method: curation. Allele origin: germline. Inheritance: Autosomal recessive inheritance.
Comment: The p.Gly4509_Val4510insValLeuAlaGly variant in DNAH11 has not been previously reported in the literature in individuals with primary ciliary dyskinesia, but has been identified in 0.0003% (4/1179216) of European (non-Finnish) chromosomes by the Genome Aggregation Database (gnomAD; dbSNP ID: rs1254126467). Although this variant has been seen in the general population in a heterozygous state, its frequency is low enough to be consistent with a recessive carrier frequency. This variant has been reported in ClinVar (Variation ID: 525412) and has been interpreted as likely pathogenic by Baylor Genetics and as a variant of uncertain significance by Invitae. This variant is an insertion of 4 amino acids at position 4509 and is not predicted to alter the protein reading-frame. It is unclear if this deletion will impact the protein. In summary, the clinical significance of the p.Gly4509_Val4510insValLeuAlaGly variant is uncertain. ACMG/AMP Criteria applied: PM4, PM2_supporting (Richards 2015).

Baylor Genetics
Classification: Likely pathogenic for Primary ciliary dyskinesia 7. Last evaluated: 2023-03-26. Review status: criteria provided, single submitter. Criteria: ACMG Guidelines, 2015. Collection method: clinical testing. Allele origin: unknown.

Labcorp Genetics (formerly Invitae), Labcorp
Classification: Uncertain significance for Primary ciliary dyskinesia. Last evaluated: 2018-04-04. Review status: criteria provided, single submitter. Criteria: Invitae Variant Classification Sherloc (09022015). Collection method: clinical testing. Allele origin: germline.
Comment: In summary, the available evidence is currently insufficient to determine the role of this variant in disease. Therefore, it has been classified as a Variant of Uncertain Significance. Experimental studies and prediction algorithms are not available for this variant, and the functional significance of the duplicated amino acids is currently unknown. This finding is consistent with autosomal recessive inheritance, and suggests that this variant contributes to disease. This variant is not present in population databases (ExAC no frequency). This variant, c.13515_13526dupGGTTCTGGCTGG, results in the insertion of 4 amino acids to the DNAH11 protein (p.Leu4507_Val4510dup), but otherwise preserves the integrity of the reading frame.